The following is an entry in ClinVar:

NM_017780.4(CHD7):c.4636A>C (p.Asn1546His)

Gene: CHD7 (chromodomain helicase DNA binding protein 7; plus strand). Cytogenetic location: 8q12.2.
Variant type: single nucleotide variant.
Coding change: c.4636A>C on transcript NM_017780.4 (MANE Select); coding-DNA position 4636, A replaced by C.
Protein change: p.Asn1546His; replaces asparagine 1546 with histidine.
Molecular consequence: missense variant. On other transcripts: intron variant (1).
Genome position (GRCh38, 1-based): chr8:60,841,746, A>C. VCF-style: chr8-60841746-A-C. GRCh37 (hg19) VCF-style: chr8-61754305-A-C.
Other names: c.1717-20483A>C (NM_001316690.1); short protein forms N1546H.
Identifiers: ClinVar variation 2890824 (VCV002890824.3), dbSNP rs1804984204, ClinGen allele CA371318826.

ClinVar aggregate classification (germline): Uncertain significance (1 of 4 stars; one submission).

Conditions:
CHARGE syndrome (CHARGE). Also called: Hittner Hirsch Kreh syndrome; CHARGE ASSOCIATION--COLOBOMA, HEART ANOMALY, CHOANAL ATRESIA, RETARDATION, GENITAL AND EAR ANOMALIES; Coloboma, heart anomaly, choanal atresia, retardation, genital and ear anomalies; CHARGE association; Hall-Hittner syndrome. Identifiers: Orphanet 138, MedGen C0265354, MONDO:0008965.

Allele frequency attached by ClinVar (database versions not stated): gnomAD 0.00001.
gnomAD v4.1: 1 of 1,605,802 alleles (0.000062%); highest among the groups gnomAD compares: South Asian, 0.0011%; no homozygotes.

Submission:

Labcorp Genetics (formerly Invitae), Labcorp
Classification: Uncertain significance for CHARGE syndrome. Last evaluated: 2025-02-27. Review status: criteria provided, single submitter. Criteria: Invitae Variant Classification Sherloc (09022015). Collection method: clinical testing. Allele origin: germline.
Comment: This sequence change replaces asparagine, which is neutral and polar, with histidine, which is basic and polar, at codon 1546 of the CHD7 protein (p.Asn1546His). This variant is not present in population databases (gnomAD no frequency). This variant has not been reported in the literature in individuals affected with CHD7-related conditions. ClinVar contains an entry for this variant (Variation ID: 2890824). Invitae Evidence Modeling of protein sequence and biophysical properties (such as structural, functional, and spatial information, amino acid conservation, physicochemical variation, residue mobility, and thermodynamic stability) indicates that this missense variant is not expected to disrupt CHD7 protein function with a negative predictive value of 95%. In summary, the available evidence is currently insufficient to determine the role of this variant in disease. Therefore, it has been classified as a Variant of Uncertain Significance.